The following is an entry in ClinVar:

ClinVar aggregate classification (germline): Pathogenic. Review status: criteria provided, single submitter (1 of 4 stars). 2 submissions from 2 submitters: Pathogenic (1). 1 of the submissions does not count toward it. Last evaluated 2021-11-07.

Conditions:
Junctional epidermolysis bullosa gravis of Herlitz. Also called: EPIDERMOLYSIS BULLOSA JUNCTIONALIS, HERLITZ TYPE; EPIDERMOLYSIS BULLOSA, JUNCTIONAL, HERLITZ-PEARSON TYPE; Epidermolysis Bullosa Letalis; JEB-HERLITZ TYPE; Herlitz-type junctional epidermolysis bullosa; EPIDERMOLYSIS BULLOSA, JUNCTIONAL 1B, SEVERE. Identifiers: Orphanet 79404, MedGen C0079683, MONDO:0009182, OMIM 226700.

Allele frequency attached by ClinVar (database versions not stated): gnomAD exomes below 0.00001; ExAC 0.00001.

Submissions (2):

Labcorp Genetics (formerly Invitae), Labcorp
Classification: Pathogenic. Last evaluated: 2021-11-07. Review status: criteria provided, single submitter. Criteria: Invitae Variant Classification Sherloc (09022015). Collection method: clinical testing. Allele origin: germline.
Comment: For these reasons, this variant has been classified as Pathogenic. ClinVar contains an entry for this variant (Variation ID: 14544). This premature translational stop signal has been observed in individual(s) with junctional epidermolysis bullosa (PMID: 9457915). In at least one individual the data is consistent with the variant being in trans (on the opposite chromosome) from a pathogenic variant. This variant is present in population databases (rs121912483, gnomAD 0.006%). This sequence change creates a premature translational stop signal (p.Gln166*) in the LAMB3 gene. It is expected to result in an absent or disrupted protein product. Loss-of-function variants in LAMB3 are known to be pathogenic (PMID: 11023379, 16473856).

OMIM
Classification: Pathogenic for EPIDERMOLYSIS BULLOSA, JUNCTIONAL 1B, SEVERE. Last evaluated: 1998-02-01. Review status: no assertion criteria provided. Collection method: literature only. Allele origin: germline. Not counted in ClinVar's aggregate classification.

Literature cited by the submitters: PubMed 9457915 (cited by Labcorp Genetics (formerly Invitae), Labcorp and OMIM); PubMed 11023379 (cited by Labcorp Genetics (formerly Invitae), Labcorp); PubMed 16473856 (cited by Labcorp Genetics (formerly Invitae), Labcorp).

NM_000228.3(LAMB3):c.496C>T (p.Gln166Ter)

Gene: LAMB3 (laminin subunit beta 3; minus strand). Cytogenetic location: 1q32.2.
Variant type: single nucleotide variant.
Coding change: c.496C>T on transcript NM_000228.3 (MANE Select); coding-DNA position 496, C replaced by T.
Protein change: p.Gln166Ter; replaces glutamine 166 with a stop codon.
Molecular consequence: nonsense.
Genome position (GRCh38, 1-based): chr1:209,634,515, G>A on the plus strand (C>T on the coding strand, the complement: LAMB3 is on the minus strand). VCF-style: chr1-209634515-G-A. GRCh37 (hg19) VCF-style: chr1-209807860-G-A.
Other names: c.496C>T, p.Gln166Ter (NM_001017402.2, NM_001127641.1); short protein forms Q166*.
Identifiers: ClinVar variation 14544 (VCV000014544.8), dbSNP rs121912483, ClinGen allele CA257276.